The following is an entry in ClinVar:

NM_003640.5(ELP1):c.1361-140A>G

Gene: ELP1 (elongator acetyltransferase complex subunit 1; minus strand). Cytogenetic location: 9q31.3.
Variant type: single nucleotide variant.
Coding change: c.1361-140A>G on transcript NM_003640.5 (MANE Select); 140 bases into the intron before coding-DNA position 1361, A replaced by G.
Molecular consequence: intron variant.
Genome position (GRCh38, 1-based): chr9:108,908,544, T>C on the plus strand (A>G on the coding strand, the complement: ELP1 is on the minus strand). VCF-style: chr9-108908544-T-C. GRCh37 (hg19) VCF-style: chr9-111670824-T-C.
Other names: c.1019-140A>G (NM_001318360.2); c.314-140A>G (NM_001330749.2).
Identifiers: ClinVar variation 681867 (VCV000681867.1), dbSNP rs838823, ClinGen allele CA197541815.

ClinVar aggregate classification (germline): Benign (1 of 4 stars; one submission).

Allele frequency attached by ClinVar (database versions not stated): gnomAD 0.92790 and 0.93072; TOPMed 0.92925; 1000 Genomes Project 30x 0.94176; 1000 Genomes Project 0.94449.
gnomAD v4.1: 657,047 of 695,748 alleles (94%); highest among the groups gnomAD compares: East Asian, 100%; 310,560 homozygotes.

Submission:

GeneDx
Classification: Benign. Last evaluated: 2018-06-14. Review status: criteria provided, single submitter. Criteria: GeneDx Variant Classification (06012015). Collection method: clinical testing. Allele origin: germline. Affected: yes.
Comment: This variant is considered likely benign or benign based on one or more of the following criteria: it is a conservative change, it occurs at a poorly conserved position in the protein, it is predicted to be benign by multiple in silico algorithms, and/or has population frequency not consistent with disease.